The following is an entry in ClinVar:

ClinVar aggregate classification (germline): Uncertain significance (1 of 4 stars; one submission).

Conditions:
Psoriasis 2. Identifiers: MedGen C1864497, MONDO:0011269, OMIM 602723.
Pityriasis rubra pilaris (PRP). Also called: Pityriasis rubra pilaris--familial type. Identifiers: Orphanet 2897, MedGen C0032027, MONDO:0100017, OMIM 173200, MONDO:0008251.

gnomAD v4.1: 13 of 1,614,136 alleles (0.00081%); highest among the groups gnomAD compares: Non-Finnish European, 0.0011%; no homozygotes.

Submission:

Labcorp Genetics (formerly Invitae), Labcorp
Classification: Uncertain significance for Pityriasis rubra pilaris; Psoriasis 2. Last evaluated: 2025-06-17. Review status: criteria provided, single submitter. Criteria: Invitae Variant Classification Sherloc (09022015). Collection method: clinical testing. Allele origin: germline.
Comment: This sequence change replaces aspartic acid, which is acidic and polar, with valine, which is neutral and non-polar, at codon 98 of the CARD14 protein (p.Asp98Val). This variant is present in population databases (no rsID available, gnomAD 0.003%). This variant has not been reported in the literature in individuals affected with CARD14-related conditions. Invitae Evidence Modeling of protein sequence and biophysical properties (such as structural, functional, and spatial information, amino acid conservation, physicochemical variation, residue mobility, and thermodynamic stability) has been performed for this missense variant. However, the output from this modeling did not meet the statistical confidence thresholds required to predict the impact of this variant on CARD14 protein function. In summary, the available evidence is currently insufficient to determine the role of this variant in disease. Therefore, it has been classified as a Variant of Uncertain Significance.

NM_001366385.1(CARD14):c.293A>T (p.Asp98Val)

Gene: CARD14 (caspase recruitment domain family member 14; plus strand). Cytogenetic location: 17q25.3.
Variant type: single nucleotide variant.
Coding change: c.293A>T on transcript NM_001366385.1 (MANE Select); coding-DNA position 293, A replaced by T.
Protein change: p.Asp98Val; replaces aspartic acid 98 with valine.
Molecular consequence: missense variant. On other transcripts: non-coding transcript variant (1).
Genome position (GRCh38, 1-based): chr17:80,182,734, A>T. VCF-style: chr17-80182734-A-T. GRCh37 (hg19) VCF-style: chr17-78156533-A-T.
Other names: c.293A>T, p.Asp98Val (NM_001257970.1, NM_024110.4); short protein forms D98V.
Identifiers: ClinVar variation 4794342 (VCV004794342.1).
Genomic context (GRCh38, chr17:80,182,734, plus strand): 5'-AGACTCGAGGGAAGAACGGGGCCATCGCCTTCCTGGAGAGCCTGAAGTTCCACAACCCTG[A>T]CGTCTACACCCTGGTCACCGGGCTGCAGCCTGATGTTGACTTCAGTAACTTTAGCGGTGA-3'
Protein context (NP_001353314.1, residues 88-108): FLESLKFHNP[Asp98Val]VYTLVTGLQP